The following is an entry in ClinVar:

NM_000346.4(SOX9):c.914G>C (p.Gly305Ala)

Gene: SOX9 (SRY-box transcription factor 9; plus strand). Cytogenetic location: 17q24.3.
Variant type: single nucleotide variant.
Coding change: c.914G>C on transcript NM_000346.4 (MANE Select); coding-DNA position 914, G replaced by C.
Protein change: p.Gly305Ala; replaces glycine 305 with alanine.
Molecular consequence: missense variant.
Genome position (GRCh38, 1-based): chr17:72,123,771, G>C. VCF-style: chr17-72123771-G-C. GRCh37 (hg19) VCF-style: chr17-70119912-G-C.
Other names: short protein forms G305A.
Identifiers: ClinVar variation 2182788 (VCV002182788.6), dbSNP rs143697828, ClinGen allele CA8739045.
Genomic context (GRCh38, chr17:72,123,771, plus strand): 5'-ACATCGAGACCTTCGATGTCAACGAGTTTGACCAGTACCTGCCGCCCAACGGCCACCCGG[G>C]GGTGCCGGCCACGCACGGCCAGGTCACCTACACGGGCAGCTACGGCATCAGCAGCACCGC-3'
Protein context (NP_000337.1, residues 295-315): DQYLPPNGHP[Gly305Ala]VPATHGQVTY

ClinVar aggregate classification (germline): Conflicting classifications of pathogenicity. Review status: criteria provided, conflicting classifications (1 of 4 stars). 3 submissions from 3 submitters: Uncertain significance (1); Likely benign (2). Last evaluated 2024-08-28.

Conditions:
Inborn genetic diseases. Identifiers: MedGen C0950123, MeSH D030342.
Camptomelic dysplasia (CMPD). Also called: Campomelic Dysplasia; CMPD1/SRA1. Identifiers: Orphanet 140, MedGen C1861922, MONDO:0007251, OMIM 114290.

Allele frequency attached by ClinVar (database versions not stated): ExAC 0.00006; gnomAD exomes 0.00006; gnomAD 0.00008; TOPMed 0.00009; ESP Exome Variant Server 0.00031.
gnomAD v4.1: 277 of 1,613,218 alleles (0.017%); highest among the groups gnomAD compares: Non-Finnish European, 0.023%; no homozygotes.

Submissions (3):

Blueprint Genetics
Classification: Likely benign. Last evaluated: 2024-08-28. Review status: criteria provided, single submitter. Criteria: ACMG Guidelines, 2015. Collection method: clinical testing. Allele origin: germline.

Labcorp Genetics (formerly Invitae), Labcorp
Classification: Uncertain significance for Camptomelic dysplasia. Last evaluated: 2024-04-25. Review status: criteria provided, single submitter. Criteria: Invitae Variant Classification Sherloc (09022015). Collection method: clinical testing. Allele origin: germline.
Comment: This sequence change replaces glycine, which is neutral and non-polar, with alanine, which is neutral and non-polar, at codon 305 of the SOX9 protein (p.Gly305Ala). This variant is present in population databases (rs143697828, gnomAD 0.01%). This variant has not been reported in the literature in individuals affected with SOX9-related conditions. ClinVar contains an entry for this variant (Variation ID: 2182788). Advanced modeling of protein sequence and biophysical properties (such as structural, functional, and spatial information, amino acid conservation, physicochemical variation, residue mobility, and thermodynamic stability) performed at Invitae indicates that this missense variant is not expected to disrupt SOX9 protein function with a negative predictive value of 80%. In summary, the available evidence is currently insufficient to determine the role of this variant in disease. Therefore, it has been classified as a Variant of Uncertain Significance.

Ambry Genetics
Classification: Likely benign for Inborn genetic diseases. Last evaluated: 2022-10-27. Review status: criteria provided, single submitter. Criteria: Ambry Variant Classification Scheme 2023. Collection method: clinical testing. Allele origin: germline.